The following is an entry in ClinVar:

NC_000023.10:g.(?_32632400)_(33038337_?)del

Gene: DMD (dystrophin; minus strand). Cytogenetic location: Xp21.1.
Variant type: Deletion.
Identifiers: ClinVar variation 3245788 (VCV003245788.1).

ClinVar aggregate classification (germline): Pathogenic (1 of 4 stars; one submission).

Conditions:
Duchenne muscular dystrophy (DMD). Also called: MUSCULAR DYSTROPHY, PSEUDOHYPERTROPHIC PROGRESSIVE, DUCHENNE TYPE; Duchenne Muscular Dystrophy (DMD). Identifiers: Orphanet 98896, MedGen C0013264, MONDO:0010679, OMIM 310200.

Submission:

Labcorp Genetics (formerly Invitae), Labcorp
Classification: Pathogenic for Duchenne muscular dystrophy. Last evaluated: 2023-08-03. Review status: criteria provided, single submitter. Criteria: Invitae Variant Classification Sherloc (09022015). Collection method: clinical testing. Allele origin: unknown.
Comment: For these reasons, this variant has been classified as Pathogenic. A similar copy number variant has been observed in individual(s) with Duchenne muscular dystrophy (PMID: 19907931). This variant is a gross deletion of the genomic region encompassing exon(s) 2-12 of the DMD gene. This deletion is out-of-frame, and is expected to create a premature termination codon and result in an absent or disrupted protein product. Loss-of-function variants in DMD are known to be pathogenic (PMID: 16770791, 25007885).

Literature cited by the submitters: PubMed 19907931; PubMed 16770791; PubMed 25007885.